The following is an entry in ClinVar:

ClinVar aggregate classification (germline): Uncertain significance (1 of 4 stars; one submission).

Conditions:
3-methylcrotonyl-CoA carboxylase 2 deficiency. Also called: METHYLCROTONYLGLYCINURIA, TYPE II; 3 alpha methylcrotonyl-CoA carboxylase 2 deficiency; 3 alpha methylcrotonylglycinuria 2; MCC 2 deficiency; Methylcrotonylglycinuria type 2. Identifiers: Orphanet 6, MedGen C1859499, MONDO:0008862, OMIM 210210.

Allele frequency attached by ClinVar (database versions not stated): gnomAD exomes below 0.00001 and 0.00001; ExAC 0.00001.
gnomAD v4.1: 1 of 1,614,004 alleles (0.000062%); highest among the groups gnomAD compares: Non-Finnish European, 0.000085%; no homozygotes.

Submission:

Labcorp Genetics (formerly Invitae), Labcorp
Classification: Uncertain significance for 3-methylcrotonyl-CoA carboxylase 2 deficiency. Last evaluated: 2022-01-12. Review status: criteria provided, single submitter. Criteria: Invitae Variant Classification Sherloc (09022015). Collection method: clinical testing. Allele origin: germline.
Comment: This sequence change replaces alanine, which is neutral and non-polar, with valine, which is neutral and non-polar, at codon 104 of the MCCC2 protein (p.Ala104Val). This variant is present in population databases (rs771719423, gnomAD 0.002%). This variant has not been reported in the literature in individuals affected with MCCC2-related conditions. Advanced modeling of protein sequence and biophysical properties (such as structural, functional, and spatial information, amino acid conservation, physicochemical variation, residue mobility, and thermodynamic stability) performed at Invitae indicates that this missense variant is expected to disrupt MCCC2 protein function. Algorithms developed to predict the effect of sequence changes on RNA splicing suggest that this variant may create or strengthen a splice site. In summary, the available evidence is currently insufficient to determine the role of this variant in disease. Therefore, it has been classified as a Variant of Uncertain Significance.

NM_022132.5(MCCC2):c.311C>T (p.Ala104Val)

Gene: MCCC2 (methylcrotonyl-CoA carboxylase subunit 2; plus strand). Cytogenetic location: 5q13.2.
Variant type: single nucleotide variant.
Coding change: c.311C>T on transcript NM_022132.5 (MANE Select); coding-DNA position 311, C replaced by T.
Protein change: p.Ala104Val; replaces alanine 104 with valine.
Molecular consequence: missense variant.
Genome position (GRCh38, 1-based): chr5:71,599,688, C>T. VCF-style: chr5-71599688-C-T. GRCh37 (hg19) VCF-style: chr5-70895515-C-T.
Other names: c.311C>T, p.Ala104Val (NM_001363147.1); short protein forms A104V.
Identifiers: ClinVar variation 1486714 (VCV001486714.5), dbSNP rs771719423, ClinGen allele CA3297740.